The following is an entry in ClinVar:

NM_001367624.2(ZNF469):c.4499_4500del (p.Ser1500fs)

Gene: ZNF469 (zinc finger protein 469; plus strand). Cytogenetic location: 16q24.2.
Variant type: Microsatellite.
Coding change: c.4499_4500del on transcript NM_001367624.2 (MANE Select); coding-DNA positions 4499 to 4500, 2 bases deleted (CT; older notation c.4499_4500delCT).
Protein change: p.Ser1500fs; shifts the reading frame from serine 1500.
Molecular consequence: frameshift variant.
Genome position (GRCh38, 1-based): chr16:88,431,969-88,431,970, CT deleted; deleting any 2 consecutive bases within chr16:88,431,967-88,431,970 gives the same sequence; the c. name uses the placement nearest the transcript's 3' end. VCF-style (leftmost placement, unchanged base first): chr16-88431966-CCT-C. GRCh37 (hg19) VCF-style: chr16-88498374-CCT-C.
Other names: short protein forms S1500fs.
Identifiers: ClinVar variation 3663446 (VCV003663446.2).

ClinVar aggregate classification (germline): Pathogenic (1 of 4 stars; one submission).

Submission:

Labcorp Genetics (formerly Invitae), Labcorp
Classification: Pathogenic. Last evaluated: 2024-08-27. Review status: criteria provided, single submitter. Criteria: Invitae Variant Classification Sherloc (09022015). Collection method: clinical testing. Allele origin: germline.
Comment: This sequence change creates a premature translational stop signal (p.Ser1472Phefs*5) in the ZNF469 gene. While this is not anticipated to result in nonsense mediated decay, it is expected to disrupt the last 2454 amino acid(s) of the ZNF469 protein. This variant is not present in population databases (gnomAD no frequency). This variant has not been reported in the literature in individuals affected with ZNF469-related conditions. This variant disrupts a region of the ZNF469 protein in which other variant(s) (p.Pro3556Glnfs*136) have been determined to be pathogenic (PMID: 32671420). This suggests that this is a clinically significant region of the protein, and that variants that disrupt it are likely to be disease-causing. For these reasons, this variant has been classified as Pathogenic.

Literature cited by the submitters: PubMed 32671420.